The following is an entry in ClinVar:

ClinVar aggregate classification (germline): Uncertain significance (1 of 4 stars; one submission).

Conditions:
Familial cancer of breast. Also called: Hereditary breast cancer; hereditary breast carcinoma; BREAST CANCER, FAMILIAL. Identifiers: Orphanet 227535, MedGen C0346153, MONDO:0016419, OMIM 114480. Disease mechanism: loss of function.

Allele frequency attached by ClinVar (database versions not stated): gnomAD 0.00001; gnomAD exomes 0.00001; TOPMed 0.00001.
gnomAD v4.1: 6 of 679,838 alleles (0.00088%); highest among the groups gnomAD compares: Non-Finnish European, 0.0015%; no homozygotes.

Submission:

Centre for Mendelian Genomics, University Medical Centre Ljubljana
Classification: Uncertain significance for Familial cancer of breast. Last evaluated: 2018-11-08. Review status: criteria provided, single submitter. Criteria: ACMG Guidelines, 2015. Collection method: clinical testing. Allele origin: unknown. Affected: yes.
Comment: This variant was classified as: Uncertain significance. The available evidence on this variant's pathogenicity is insufficient or conflicting. The following ACMG criteria were applied in classifying this variant: PM2.

NM_024675.4(PALB2):c.3114-130A>C

Gene: PALB2 (partner and localizer of BRCA2; minus strand). Cytogenetic location: 16p12.2.
Variant type: single nucleotide variant.
Coding change: c.3114-130A>C on transcript NM_024675.4 (MANE Select); 130 bases into the intron before coding-DNA position 3114, A replaced by C.
Molecular consequence: intron variant.
Genome position (GRCh38, 1-based): chr16:23,614,221, T>G on the plus strand (A>C on the coding strand, the complement: PALB2 is on the minus strand). VCF-style: chr16-23614221-T-G. GRCh37 (hg19) VCF-style: chr16-23625542-T-G.
Identifiers: ClinVar variation 931344 (VCV000931344.4), dbSNP rs1304034435, ClinGen allele CA719223884.